The following is an entry in ClinVar:

NM_002529.4(NTRK1):c.1960C>T (p.Arg654Cys)

Gene: NTRK1 (neurotrophic receptor tyrosine kinase 1; plus strand). Cytogenetic location: 1q23.1.
Variant type: single nucleotide variant.
Coding change: c.1960C>T on transcript NM_002529.4 (MANE Select); coding-DNA position 1960, C replaced by T.
Protein change: p.Arg654Cys; replaces arginine 654 with cysteine.
Molecular consequence: missense variant.
Genome position (GRCh38, 1-based): chr1:156,879,276, C>T. VCF-style: chr1-156879276-C-T. GRCh37 (hg19) VCF-style: chr1-156849068-C-T.
Other names: c.1852C>T, p.Arg618Cys (NM_001007792.1); c.1942C>T, p.Arg648Cys (NM_001012331.2); c.1942C>T (NM_001012331.1); short protein forms R618C, R648C, R654C.
Identifiers: ClinVar variation 637430 (VCV000637430.16), dbSNP rs764992664, ClinGen allele CA1169521.

ClinVar aggregate classification (germline): Pathogenic. Review status: criteria provided, multiple submitters, no conflicts (2 of 4 stars). 6 submissions from 6 submitters: Pathogenic (5). 1 of the submissions does not count toward it. Last evaluated 2025-03-31.

Conditions:
Charcot-Marie-Tooth disease. Also called: Charcot-Marie-Tooth Hereditary Neuropathy; Charcot-Marie-Tooth Neuropathy. Identifiers: Orphanet 166, MedGen C0007959, MONDO:0015626.
Hereditary insensitivity to pain with anhidrosis (CIPA). Also called: NTRK1 Congenital Insensitivity to Pain with Anhidrosis; NEUROPATHY, CONGENITAL SENSORY, WITH ANHIDROSIS; HSAN Type IV; hereditary sensory and autonomic neuropathy type 4; FAMILIAL DYSAUTONOMIA, TYPE II; INSENSITIVITY TO PAIN, CONGENITAL, WITH ANHIDROSIS. Identifiers: Orphanet 642, MedGen C0020074, MONDO:0009746, OMIM 256800.

Allele frequency attached by ClinVar (database versions not stated): gnomAD exomes below 0.00001 and 0.00002; ExAC 0.00001; TOPMed 0.00001.
gnomAD v4.1: 6 of 1,613,854 alleles (0.00037%); highest among the groups gnomAD compares: Admixed American, 0.0017%; no homozygotes.

Submissions (6):

Natera, Inc.
Classification: Pathogenic for Hereditary insensitivity to pain with anhidrosis. Last evaluated: 2025-03-31. Review status: criteria provided, single submitter. Criteria: Natera Variant Classification Schema (03/2026). Collection method: clinical testing. Allele origin: germline.
Comment: The c.1942C>T variant in NTRK1 is a missense variant predicted to cause substitution of arginine to cysteine at amino acid 648. This variant is rare in the general population with a frequency below the threshold expected for the associated phenotype(s). This variant has been observed in one or more individuals affected with the associated recessive disease, as either homozygous or compound heterozygous with a second variant (PMID: 22302274, 24631696, 10982191). Additionally, this variant has been observed to segregate in affected family members (PMID: 10982191). Functional studies show that this variant may disrupt protein function (PMID: 11159935). Computational prediction algorithms indicate this variant is likely to affect gene or protein function. Given the available evidence, this variant is classified as Pathogenic.

Genomic Medicine Center of Excellence, King Faisal Specialist Hospital and Research Centre
Classification: Pathogenic for Hereditary insensitivity to pain with anhidrosis. Last evaluated: 2024-03-17. Review status: criteria provided, single submitter. Criteria: ACMG Guidelines, 2015. Collection method: research. Allele origin: germline.

Labcorp Genetics (formerly Invitae), Labcorp
Classification: Pathogenic for Hereditary insensitivity to pain with anhidrosis. Last evaluated: 2023-12-13. Review status: criteria provided, single submitter. Criteria: Invitae Variant Classification Sherloc (09022015). Collection method: clinical testing. Allele origin: germline.
Comment: This sequence change replaces arginine, which is basic and polar, with cysteine, which is neutral and slightly polar, at codon 648 of the NTRK1 protein (p.Arg648Cys). This variant is present in population databases (rs764992664, gnomAD 0.003%). This missense change has been observed in individuals with NTRK1-related conditions (PMID: 10982191, 22302274, 24631696). It has also been observed to segregate with disease in related individuals. This variant is also known as p.Arg654Cys. ClinVar contains an entry for this variant (Variation ID: 637430). Advanced modeling of protein sequence and biophysical properties (such as structural, functional, and spatial information, amino acid conservation, physicochemical variation, residue mobility, and thermodynamic stability) has been performed at Invitae for this missense variant, however the output from this modeling did not meet the statistical confidence thresholds required to predict the impact of this variant on NTRK1 protein function. Experimental studies have shown that this missense change affects NTRK1 function (PMID: 11159935). For these reasons, this variant has been classified as Pathogenic.

Genome-Nilou Lab
Classification: Pathogenic for Hereditary insensitivity to pain with anhidrosis. Last evaluated: 2023-04-11. Review status: criteria provided, single submitter. Criteria: ACMG Guidelines, 2015. Collection method: clinical testing. Allele origin: germline. Affected: no.

Women's Health and Genetics/Laboratory Corporation of America, LabCorp
Classification: Pathogenic for Hereditary insensitivity to pain with anhidrosis. Last evaluated: 2022-04-24. Review status: criteria provided, single submitter. Criteria: LabCorp Variant Classification Summary - May 2015. Collection method: clinical testing. Allele origin: germline.
Comment: Variant summary: NTRK1 c.1942C>T (p.Arg648Cys) results in a non-conservative amino acid change located in the Protein kinase domain (IPR000719) of the encoded protein sequence. Five of five in-silico tools predict a damaging effect of the variant on protein function. The variant allele was found at a frequency of 1.6e-05 in 250924 control chromosomes. c.1942C>T has been reported in the literature in multiple individuals affected with Hereditary Insensitivity To Pain With Anhidrosis (example, Miura_2000, Mardy_2001, Guven_2014, Davidson_2012). These data indicate that the variant is very likely to be associated with disease. At least one publication reports experimental evidence evaluating an impact on protein function. The most pronounced variant effect results in significantly diminished autophosphorylation in both neuronal and non-neuronal cells (Mardy_2001). One clinical diagnostic laboratory has submitted clinical-significance assessments for this variant to ClinVar after 2014 and classified the variant as pathogenic. Based on the evidence outlined above, the variant was classified as pathogenic.

Inherited Neuropathy Consortium
Classification: Uncertain significance for Charcot-Marie-Tooth disease. Review status: no assertion criteria provided. Collection method: literature only. Allele origin: germline. Affected: yes. Not counted in ClinVar's aggregate classification.

Literature cited by the submitters: PubMed 22302274 (cited by 3 submitters); PubMed 24631696 (cited by 3 submitters); PubMed 10982191 (cited by 4 submitters); PubMed 11159935 (cited by 3 submitters).